The following is an entry in ClinVar:

ClinVar aggregate classification (germline): Uncertain significance (1 of 4 stars; one submission).

gnomAD v4.1: 8 of 1,598,258 alleles (0.0005%); highest among the groups gnomAD compares: Middle Eastern, 0.016%; no homozygotes.

Submission:

Ambry Genetics
Classification: Uncertain significance. Last evaluated: 2024-11-23. Review status: criteria provided, single submitter. Criteria: Ambry Variant Classification Scheme 2023. Collection method: clinical testing. Allele origin: germline.
Comment: The p.S2114R variant (also known as c.6342C>A), located in coding exon 27 of the WNK2 gene, results from a C to A substitution at nucleotide position 6342. The serine at codon 2114 is replaced by arginine, an amino acid with dissimilar properties. This amino acid position is conserved. In addition, this alteration is predicted to be deleterious by in silico analysis. Based on the available evidence, the clinical significance of this variant remains unclear.

NM_006648.4(WNK2):c.6342C>A (p.Ser2114Arg)

Gene: WNK2 (WNK lysine deficient protein kinase 2; plus strand). Cytogenetic location: 9q22.31.
Variant type: single nucleotide variant.
Coding change: c.6342C>A on transcript NM_006648.4 (MANE Select); coding-DNA position 6342, C replaced by A.
Protein change: p.Ser2114Arg; replaces serine 2114 with arginine.
Molecular consequence: missense variant.
Genome position (GRCh38, 1-based): chr9:93,308,410, C>A. VCF-style: chr9-93308410-C-A. GRCh37 (hg19) VCF-style: chr9-96070692-C-A.
Other names: c.6453C>A, p.Ser2151Arg (NM_001282394.3); short protein forms S2114R, S2151R.
Identifiers: ClinVar variation 3470337 (VCV003470337.1).
Genomic context (GRCh38, chr9:93,308,410, plus strand): 5'-CCCAGGCCCTGAGCCAGGCCCCCAGCCCGCCCTGCACGTCCAGGCGCAGGTGAACAACAG[C>A]AACAACAAGAAGGGTACCTTCACGGACGACCTGCACAAGCTGGTGGACGAGTGGACGAGC-3'
Protein context (NP_006639.3, residues 2104-2124): ALHVQAQVNN[Ser2114Arg]NNKKGTFTDD